The following is an entry in ClinVar:

NM_012479.4(YWHAG):c.398A>C (p.Tyr133Ser)

Gene: YWHAG (tyrosine 3-monooxygenase/tryptophan 5-monooxygenase activation protein gamma; minus strand). Cytogenetic location: 7q11.23.
Variant type: single nucleotide variant.
Coding change: c.398A>C on transcript NM_012479.4 (MANE Select); coding-DNA position 398, A replaced by C.
Protein change: p.Tyr133Ser; replaces tyrosine 133 with serine.
Molecular consequence: missense variant.
Genome position (GRCh38, 1-based): chr7:76,329,923, T>G on the plus strand (A>C on the coding strand, the complement: YWHAG is on the minus strand). VCF-style: chr7-76329923-T-G. GRCh37 (hg19) VCF-style: chr7-75959240-T-G.
Other names: NM_012479.3:c.398A>C(p.Tyr133Ser); short protein forms Y133S.
Identifiers: ClinVar variation 549482 (VCV000549482.3), dbSNP rs1554616627, ClinGen allele CA367777347.

ClinVar aggregate classification (germline): Conflicting classifications of pathogenicity. Review status: criteria provided, conflicting classifications (1 of 4 stars). 2 submissions from 2 submitters: Likely pathogenic (1); Uncertain significance (1). Last evaluated 2019-05-28.

Conditions:
Developmental and epileptic encephalopathy, 56. Also called: EPILEPTIC ENCEPHALOPATHY, EARLY INFANTILE, 56. Identifiers: MedGen C4540034, MONDO:0033365, OMIM 617665.

Submissions (2):

Mendelics
Classification: Uncertain significance for Developmental and epileptic encephalopathy, 56. Last evaluated: 2019-05-28. Review status: criteria provided, single submitter. Criteria: Mendelics Assertion Criteria 2017. Collection method: clinical testing. Allele origin: unknown.

SIB Swiss Institute of Bioinformatics
Classification: Likely pathogenic for Developmental and epileptic encephalopathy, 56. Last evaluated: 2018-04-16. Review status: criteria provided, single submitter. Criteria: ACMG Guidelines, 2015. Collection method: curation. Allele origin: germline.
Comment: This variant is interpreted as a Likely Pathogenic, for Neurodevelopmental disorder. The following ACMG Tag(s) were applied: PP3 => Multiple lines of computational evidence support a deleterious effect on the gene or gene product. PM6 => Assumed de novo, but without confirmation of paternity and maternity (PMID:28777935). PM1 => Located in a mutational hot spot and/or critical and well-established functional domain (e.g., active site of an enzyme) without benign variation (PMID:28777935). PM2 => Absent from controls (or at extremely low frequency if recessive) in Exome Sequencing Project, 1000 Genomes Project, or Exome Aggregation Consortium.

Literature cited by the submitters: PubMed 28777935 (cited by SIB Swiss Institute of Bioinformatics).